The following is an entry in ClinVar:

NM_002907.4(RECQL):c.1448-1G>A

Gene: RECQL (RecQ like helicase; minus strand). Cytogenetic location: 12p12.1.
Variant type: single nucleotide variant.
Coding change: c.1448-1G>A on transcript NM_002907.4 (MANE Select); the canonical splice acceptor site of the intron before coding-DNA position 1448, G replaced by A.
Molecular consequence: splice acceptor variant.
Genome position (GRCh38, 1-based): chr12:21,471,648, C>T on the plus strand (G>A on the coding strand, the complement: RECQL is on the minus strand). VCF-style: chr12-21471648-C-T. GRCh37 (hg19) VCF-style: chr12-21624582-C-T.
Other names: c.1448-1G>A (NM_032941.3).
Identifiers: ClinVar variation 2970972 (VCV002970972.3), dbSNP rs1942968689, ClinGen allele CA384116406.

ClinVar aggregate classification (germline): Uncertain significance (1 of 4 stars; one submission).

Allele frequency attached by ClinVar (database versions not stated): gnomAD exomes below 0.00001; TOPMed below 0.00001.
gnomAD v4.1: 2 of 1,609,016 alleles (0.00012%); highest among the groups gnomAD compares: South Asian, 0.0011%; no homozygotes.

Submission:

Labcorp Genetics (formerly Invitae), Labcorp
Classification: Uncertain significance. Last evaluated: 2023-04-27. Review status: criteria provided, single submitter. Criteria: Invitae Variant Classification Sherloc (09022015). Collection method: clinical testing. Allele origin: germline.
Comment: This variant is not present in population databases (gnomAD no frequency). This sequence change affects an acceptor splice site in intron 12 of the RECQL gene. It is expected to disrupt RNA splicing. Variants that disrupt the donor or acceptor splice site typically lead to a loss of protein function (PMID: 16199547), however the current clinical and genetic evidence is not sufficient to establish whether loss-of-function variants in RECQL cause disease. This variant has not been reported in the literature in individuals affected with RECQL-related conditions. In summary, the available evidence is currently insufficient to determine the role of this variant in disease. Therefore, it has been classified as a Variant of Uncertain Significance. Algorithms developed to predict the effect of sequence changes on RNA splicing suggest that this variant may disrupt the consensus splice site.

Literature cited by the submitters: PubMed 16199547.